The following is an entry in ClinVar:

NM_201384.3(PLEC):c.9599_9607dup (p.Arg3200_Asp3202dup)

Gene: PLEC (plectin; minus strand). Cytogenetic location: 8q24.3.
Variant type: Duplication.
Coding change: c.9599_9607dup on transcript NM_201384.3 (MANE Select); coding-DNA positions 9599 to 9607, 9 bases duplicated (GGCCCGACC; older notation c.9599_9607dupGGCCCGACC).
Protein change: p.Arg3200_Asp3202dup.
Molecular consequence: inframe insertion.
Genome position (GRCh38, 1-based): chr8:143,920,214-143,920,222, GGTCGGGCC duplicated on the plus strand (GGCCCGACC on the coding strand, the reverse complement: PLEC is on the minus strand); duplicating any 9 consecutive bases within chr8:143,920,214-143,920,224 gives the same sequence; the c. name uses the placement nearest the transcript's 3' end. VCF-style (leftmost placement, unchanged base first): chr8-143920213-T-TGGTCGGGCC. GRCh37 (hg19) VCF-style: chr8-144994381-T-TGGTCGGGCC.
Other names: c.9680_9688dup, p.Arg3227_Asp3229dup (NM_000445.5); c.9557_9565dup, p.Arg3186_Asp3188dup (NM_201378.4); c.9533_9541dup, p.Arg3178_Asp3180dup (NM_201379.3); c.10010_10018dup, p.Arg3337_Asp3339dup (NM_201380.4); c.9503_9511dup, p.Arg3168_Asp3170dup (NM_201381.3); c.9599_9607dup, p.Arg3200_Asp3202dup (NM_201382.4); c.9611_9619dup, p.Arg3204_Asp3206dup (NM_201383.3).
Identifiers: ClinVar variation 950750 (VCV000950750.12), dbSNP rs782633303, ClinGen allele CA4924913.
Genomic context (GRCh38, chr8:143,920,213, plus strand): 5'-TCCTCCTGCCGGGCCCGAGCAGCCTTTTCTGAGAGCGGCAGCAGGCTCAGCCCGGTCAGC[T>TGGTCGGGCC]GGTCGGGCCGGCACCGCTGCTGGAGCTCGCCGTAGGTGGCCGGCTCCCCTGTGCTGGGGT-3'

ClinVar aggregate classification (germline): Uncertain significance. Review status: criteria provided, multiple submitters, no conflicts (2 of 4 stars). 2 submissions from 2 submitters: Uncertain significance (2). Last evaluated 2023-05-03.

Conditions:
Epidermolysis bullosa simplex 5C, with pyloric atresia (EBS5C). Also called: PLEC-Related Epidermolysis Bullosa with Pyloric Atresia; Epidermolysis bullosa simplex with pyloric atresia; PLEC1-Related Epidermolysis Bullosa with Pyloric Atresia. Identifiers: Orphanet 158684, MedGen C2677349, MONDO:0012807, OMIM 612138.
Epidermolysis bullosa simplex 5B, with muscular dystrophy (EBS5B). Also called: Epidermolysis bullosa simplex with muscular dystrophy; EPIDERMOLYSIS BULLOSA SIMPLEX AND LIMB-GIRDLE MUSCULAR DYSTROPHY. Identifiers: Orphanet 257, MedGen C2931072, MONDO:0009181, OMIM 226670.
Epidermolysis bullosa simplex, Ogna type (EBS5A). Also called: Pidermolysis bullosa simplex 5A, Ogna type; EPIDERMOLYSIS BULLOSA SIMPLEX 5A, OGNA TYPE. Identifiers: Orphanet 79401, MedGen C0432317, MONDO:0007555, OMIM 131950.
Autosomal recessive limb-girdle muscular dystrophy type 2Q (LGMDR17). Also called: MUSCULAR DYSTROPHY, LIMB-GIRDLE, AUTOSOMAL RECESSIVE 17. Identifiers: Orphanet 254361, MedGen C3150989, MONDO:0013390, OMIM 613723.
Epidermolysis bullosa simplex with nail dystrophy (EBS5D). Identifiers: MedGen C4225309, MONDO:0014661, OMIM 616487.

Submissions (2):

Revvity Omics, Revvity
Classification: Uncertain significance. Last evaluated: 2023-05-03. Review status: criteria provided, single submitter. Criteria: ACMG Guidelines, 2015. Collection method: clinical testing. Allele origin: germline.

Labcorp Genetics (formerly Invitae), Labcorp
Classification: Uncertain significance for Autosomal recessive limb-girdle muscular dystrophy type 2Q; Epidermolysis bullosa simplex, Ogna type; Epidermolysis bullosa simplex with nail dystrophy; Epidermolysis bullosa simplex 5C, with pyloric atresia; Epidermolysis bullosa simplex 5B, with muscular dystrophy. Last evaluated: 2022-11-08. Review status: criteria provided, single submitter. Criteria: Invitae Variant Classification Sherloc (09022015). Collection method: clinical testing. Allele origin: germline.
Comment: In summary, the available evidence is currently insufficient to determine the role of this variant in disease. Therefore, it has been classified as a Variant of Uncertain Significance. Experimental studies and prediction algorithms are not available or were not evaluated, and the functional significance of this variant is currently unknown. ClinVar contains an entry for this variant (Variation ID: 950750). This variant has not been reported in the literature in individuals affected with PLEC-related conditions. This variant is present in population databases (rs782633303, gnomAD 0.02%). This variant, c.9680_9688dup, results in the insertion of 3 amino acid(s) of the PLEC protein (p.Arg3227_Asp3229dup), but otherwise preserves the integrity of the reading frame.